The following is an entry in ClinVar:

NM_001134407.3(GRIN2A):c.3166A>G (p.Met1056Val)

Gene: GRIN2A (glutamate ionotropic receptor NMDA type subunit 2A; minus strand). Cytogenetic location: 16p13.2.
Variant type: single nucleotide variant.
Coding change: c.3166A>G on transcript NM_001134407.3 (MANE Select); coding-DNA position 3166, A replaced by G.
Protein change: p.Met1056Val; replaces methionine 1056 with valine.
Molecular consequence: missense variant.
Genome position (GRCh38, 1-based): chr16:9,764,378, T>C on the plus strand (A>G on the coding strand, the complement: GRIN2A is on the minus strand). VCF-style: chr16-9764378-T-C. GRCh37 (hg19) VCF-style: chr16-9858235-T-C.
Other names: c.3166A>G, p.Met1056Val (NM_000833.5, NM_001134408.2); short protein forms M1056V.
Identifiers: ClinVar variation 1728367 (VCV001728367.7), dbSNP rs1900773387, ClinGen allele CA394708507.

ClinVar aggregate classification (germline): Conflicting classifications of pathogenicity. Review status: criteria provided, conflicting classifications (1 of 4 stars). 2 submissions from 2 submitters: Uncertain significance (1); Likely benign (1). Last evaluated 2025-10-26.

Conditions:
Landau-Kleffner syndrome (FESD). Also called: EPILEPSY, FOCAL, WITH SPEECH DISORDER AND WITH OR WITHOUT MENTAL RETARDATION; APHASIA, ACQUIRED, WITH EPILEPSY. Identifiers: Orphanet 1945, Orphanet 725, Orphanet 98818, MedGen C0282512, MONDO:0009509, OMIM 245570.
Inborn genetic diseases. Identifiers: MedGen C0950123, MeSH D030342.

Allele frequency attached by ClinVar (database versions not stated): gnomAD 0.00001; TOPMed 0.00001; gnomAD exomes below 0.00001.

Submissions (2):

Labcorp Genetics (formerly Invitae), Labcorp
Classification: Uncertain significance for Landau-Kleffner syndrome. Last evaluated: 2025-10-26. Review status: criteria provided, single submitter. Criteria: Invitae Variant Classification Sherloc (09022015). Collection method: clinical testing. Allele origin: germline.
Comment: This sequence change replaces methionine, which is neutral and non-polar, with valine, which is neutral and non-polar, at codon 1056 of the GRIN2A protein (p.Met1056Val). This variant is not present in population databases (gnomAD no frequency). This variant has not been reported in the literature in individuals affected with GRIN2A-related conditions. ClinVar contains an entry for this variant (Variation ID: 1728367). Invitae Evidence Modeling of protein sequence and biophysical properties (such as structural, functional, and spatial information, amino acid conservation, physicochemical variation, residue mobility, and thermodynamic stability) indicates that this missense variant is not expected to disrupt GRIN2A protein function with a negative predictive value of 95%. In summary, the available evidence is currently insufficient to determine the role of this variant in disease. Therefore, it has been classified as a Variant of Uncertain Significance.

Ambry Genetics
Classification: Likely benign for Inborn genetic diseases. Last evaluated: 2018-09-16. Review status: criteria provided, single submitter. Criteria: Ambry Variant Classification Scheme 2023. Collection method: clinical testing. Allele origin: germline.